The following is an entry in ClinVar:

ClinVar aggregate classification (germline): Uncertain significance (1 of 4 stars; one submission).

Conditions:
Granulomatous disease, chronic, autosomal recessive, cytochrome b-positive, type 3. Also called: Granulomatous disease, chronic, autosomal recessive, cytochrome b-positive, type III; GRANULOMATOUS DISEASE, CHRONIC, AUTOSOMAL RECESSIVE, 3; CGD, AUTOSOMAL RECESSIVE CYTOCHROME b-POSITIVE, TYPE III; GRANULOMATOUS DISEASE, CHRONIC, DUE TO NCF4 DEFICIENCY. Identifiers: Orphanet 379, MedGen C3151409, MONDO:0013507, OMIM 613960.

Submission:

Labcorp Genetics (formerly Invitae), Labcorp
Classification: Uncertain significance for Granulomatous disease, chronic, autosomal recessive, cytochrome b-positive, type 3. Last evaluated: 2022-05-06. Review status: criteria provided, single submitter. Criteria: Invitae Variant Classification Sherloc (09022015). Collection method: clinical testing. Allele origin: germline.
Comment: This sequence change replaces glutamic acid, which is acidic and polar, with glycine, which is neutral and non-polar, at codon 14 of the NCF4 protein (p.Glu14Gly). In summary, the available evidence is currently insufficient to determine the role of this variant in disease. Therefore, it has been classified as a Variant of Uncertain Significance. Algorithms developed to predict the effect of missense changes on protein structure and function (SIFT, PolyPhen-2, Align-GVGD) all suggest that this variant is likely to be tolerated. This variant has not been reported in the literature in individuals affected with NCF4-related conditions. This variant is not present in population databases (gnomAD no frequency).

NM_000631.5(NCF4):c.41A>G (p.Glu14Gly)

Genes: NCF4 (neutrophil cytosolic factor 4; plus strand), NCF4-AS1 (NCF4 antisense RNA 1; minus strand). Cytogenetic location: 22q12.3.
Variant type: single nucleotide variant.
Coding change: c.41A>G on transcript NM_000631.5 (MANE Select); coding-DNA position 41, A replaced by G.
Protein change: p.Glu14Gly; replaces glutamic acid 14 with glycine.
Molecular consequence: missense variant.
Genome position (GRCh38, 1-based): chr22:36,864,053, A>G. VCF-style: chr22-36864053-A-G. GRCh37 (hg19) VCF-style: chr22-37260095-A-G.
Other names: c.41A>G, p.Glu14Gly (NM_013416.4); short protein forms E14G.
Identifiers: ClinVar variation 2134104 (VCV002134104.4), dbSNP rs2517907766, ClinGen allele CA411376372.